The following is an entry in ClinVar:

NM_033163.5(FGF8):c.335_337+2del

Gene: FGF8 (fibroblast growth factor 8; minus strand). Cytogenetic location: 10q24.32.
Variant type: Deletion.
Coding change: c.335_337+2del on transcript NM_033163.5 (MANE Select); coding-DNA position 335 through the canonical splice donor site of the intron after coding-DNA position 337, 5 bases deleted (TCGGT; older notation c.335_337+2delTCGGT).
Molecular consequence: splice donor variant.
Genome position (GRCh38, 1-based): chr10:101,774,730-101,774,734, ACCGA deleted on the plus strand (TCGGT on the coding strand, the reverse complement: FGF8 is on the minus strand); deleting any 5 consecutive bases within chr10:101,774,730-101,774,735 gives the same sequence; the c. name uses the placement nearest the transcript's 3' end. VCF-style (leftmost placement, unchanged base first): chr10-101774729-TACCGA-T. GRCh37 (hg19) VCF-style: chr10-103534486-TACCGA-T.
Other names: c.23_25+2del (NM_001206389.2); c.215_217+2del (NM_033165.5); c.248_250+2del (NM_006119.6); c.302_304+2del (NM_033164.4).
Identifiers: ClinVar variation 1031556 (VCV001031556.1), dbSNP rs2065066261, ClinGen allele CA1932376481.

ClinVar aggregate classification (germline): Uncertain significance (1 of 4 stars; one submission).

Conditions:
Hypogonadotropic hypogonadism 6 with or without anosmia (HH6). Also called: FGF8-Related GnRH Deficiency (Kallmann Syndrome 6); HYPOGONADOTROPIC HYPOGONADISM 6 WITHOUT ANOSMIA; HYPOGONADOTROPIC HYPOGONADISM 6 WITH ANOSMIA. Identifiers: Orphanet 478, MedGen C3552574, MONDO:0012988, OMIM 612702.

Submission:

Baylor Genetics
Classification: Uncertain significance for Hypogonadotropic hypogonadism 6 with or without anosmia. Last evaluated: 2018-11-27. Review status: criteria provided, single submitter. Criteria: ACMG Guidelines, 2015. Collection method: clinical testing. Allele origin: paternal. Affected: yes.
Comment: This variant was determined to be of uncertain significance according to ACMG Guidelines, 2015 [PMID:25741868]. Pathogenic variants within the FGF and FGFR gene families (including FGF8), have also been identified in individuals with nonsyndromic cleft lip and palate [PMID:17360555] Additionally, FGF8 missense variants have been identified in patients with autosomal recessive holoprosencephaly with hypothalamo-pituitary dysfunction [PMID:21832120] and digenic pathogenic variants have been identified in FGFR1 and FGF8 in patients with holoprosencephaly, normosmic hypogonadotropic hypogonadism and Kallmann syndrome [PMID: 26931467]

Literature cited by the submitters: PubMed 17360555; PubMed 21832120; PubMed 26931467.